The following is an entry in ClinVar:

NM_000264.5(PTCH1):c.1347+6G>T

Gene: PTCH1 (patched 1; minus strand). Cytogenetic location: 9q22.32.
Variant type: single nucleotide variant.
Coding change: c.1347+6G>T on transcript NM_000264.5 (MANE Select); 6 bases into the intron after coding-DNA position 1347, G replaced by T.
Molecular consequence: intron variant.
Genome position (GRCh38, 1-based): chr9:95,478,049, C>A on the plus strand (G>T on the coding strand, the complement: PTCH1 is on the minus strand). VCF-style: chr9-95478049-C-A. GRCh37 (hg19) VCF-style: chr9-98240331-C-A.
Other names: c.1344+6G>T (NM_001083603.3); c.1149+6G>T (NM_001083602.3); c.1347+6G>T (NM_001354918.2, NM_000264.4); c.894+6G>T (NM_001083605.3, NM_001083604.3, NM_001083606.3 and 1 more transcripts).
Identifiers: ClinVar variation 691917 (VCV000691917.8), dbSNP rs372655486, ClinGen allele CA5138697.

ClinVar aggregate classification (germline): Conflicting classifications of pathogenicity. Review status: criteria provided, conflicting classifications (1 of 4 stars). 3 submissions from 3 submitters: Uncertain significance (2); Benign (1). Last evaluated 2023-08-11.

Conditions:
Gorlin syndrome. Also called: Nevoid Basal Cell Carcinoma Syndrome; Basal cell nevus syndrome. Identifiers: Orphanet 377, MedGen C0004779, MONDO:0007187.
Craniosynostosis syndrome. Also called: Craniosynostosis. Identifiers: Orphanet 1531, MedGen C0010278, MeSH D003398, MONDO:0015469, HP:0001363.

Allele frequency attached by ClinVar (database versions not stated): gnomAD below 0.00001 and 0.00002; ExAC 0.00007; 1000 Genomes Project 30x 0.00016; 1000 Genomes Project 0.00020.
gnomAD v4.1: 40 of 1,614,144 alleles (0.0025%); highest among the groups gnomAD compares: South Asian, 0.044%; no homozygotes.

Submissions (3):

Quest Diagnostics Nichols Institute San Juan Capistrano
Classification: Benign. Last evaluated: 2023-08-11. Review status: criteria provided, single submitter. Criteria: Quest Diagnostics criteria. Collection method: clinical testing. Allele origin: unknown.

Labcorp Genetics (formerly Invitae), Labcorp
Classification: Uncertain significance for Gorlin syndrome. Last evaluated: 2022-09-07. Review status: criteria provided, single submitter. Criteria: Invitae Variant Classification Sherloc (09022015). Collection method: clinical testing. Allele origin: germline.
Comment: This variant is present in population databases (rs372655486, gnomAD 0.05%), and has an allele count higher than expected for a pathogenic variant. In summary, the available evidence is currently insufficient to determine the role of this variant in disease. Therefore, it has been classified as a Variant of Uncertain Significance. Variants that disrupt the consensus splice site are a relatively common cause of aberrant splicing (PMID: 17576681, 9536098). Algorithms developed to predict the effect of sequence changes on RNA splicing suggest that this variant is not likely to affect RNA splicing. ClinVar contains an entry for this variant (Variation ID: 691917). This variant is also known as c.1149+6G>T. This variant has been observed in individual(s) with craniosynostosis (PMID: 31837199). This sequence change falls in intron 9 of the PTCH1 gene. It does not directly change the encoded amino acid sequence of the PTCH1 protein. It affects a nucleotide within the consensus splice site.

Klinisk genetik och genomik Research, Gothenburg University
Classification: Uncertain significance for Craniosynostosis. Last evaluated: 2019-09-25. Review status: criteria provided, single submitter. Criteria: ACMG Guidelines, 2015. Collection method: research. Allele origin: germline. Affected: yes.
Comment: Co-segregating with VOUS in ERF

Literature cited by the submitters: PubMed 31837199 (cited by 3 submitters); PubMed 17576681 (cited by Labcorp Genetics (formerly Invitae), Labcorp); PubMed 9536098 (cited by Labcorp Genetics (formerly Invitae), Labcorp).